The following is an entry in ClinVar:

ClinVar aggregate classification (germline): Uncertain significance (1 of 4 stars; one submission).

Allele frequency attached by ClinVar (database versions not stated): ExAC 0.00018; gnomAD 0.00021; 1000 Genomes Project 30x 0.00031; TOPMed 0.00047.
gnomAD v4.1: 161 of 1,509,386 alleles (0.011%); highest among the groups gnomAD compares: Admixed American, 0.18%; 1 homozygote.

Submission:

Labcorp Genetics (formerly Invitae), Labcorp
Classification: Uncertain significance. Last evaluated: 2025-04-21. Review status: criteria provided, single submitter. Criteria: Invitae Variant Classification Sherloc (09022015). Collection method: clinical testing. Allele origin: germline.
Comment: This sequence change replaces leucine, which is neutral and non-polar, with glutamine, which is neutral and polar, at codon 753 of the SYNPO protein (p.Leu753Gln). This variant is present in population databases (rs775850216, gnomAD 0.2%), and has an allele count higher than expected for a pathogenic variant. This variant has not been reported in the literature in individuals affected with SYNPO-related conditions. ClinVar contains an entry for this variant (Variation ID: 2080630). An algorithm developed to predict the effect of missense changes on protein structure and function (PolyPhen-2) suggests that this variant is likely to be disruptive. In summary, the available evidence is currently insufficient to determine the role of this variant in disease. Therefore, it has been classified as a Variant of Uncertain Significance.

NM_007286.6(SYNPO):c.2258T>A (p.Leu753Gln)

Gene: SYNPO (synaptopodin; plus strand). Cytogenetic location: 5q33.1.
Variant type: single nucleotide variant.
Coding change: c.2258T>A on transcript NM_007286.6 (MANE Select); coding-DNA position 2258, T replaced by A.
Protein change: p.Leu753Gln; replaces leucine 753 with glutamine.
Molecular consequence: missense variant.
Genome position (GRCh38, 1-based): chr5:150,656,633, T>A. VCF-style: chr5-150656633-T-A. GRCh37 (hg19) VCF-style: chr5-150036195-T-A.
Other names: short protein forms L753Q.
Identifiers: ClinVar variation 2080630 (VCV002080630.4), dbSNP rs775850216, ClinGen allele CA3513594.
Genomic context (GRCh38, chr5:150,656,633, plus strand): 5'-GCGAGCGCTCGGTGTCCCCGCTGCGACCTGAGACCGAGGCGCGGCCCCCCAGCCGCCAGC[T>A]GCAGGCGCTTCTGGCGCGAAACATCATCAATGCGGCCCGGCGCAAGAGCGCCTCCCCGCG-3'
Protein context (NP_009217.3, residues 743-763): ETEARPPSRQ[Leu753Gln]QALLARNIIN